The following is an entry in ClinVar:

ClinVar aggregate classification (germline): Uncertain significance. Review status: criteria provided, multiple submitters, no conflicts (2 of 4 stars). 3 submissions from 3 submitters: Uncertain significance (3). Last evaluated 2024-11-19.

Conditions:
Inborn genetic diseases. Identifiers: MedGen C0950123, MeSH D030342.

gnomAD v4.1: 38 of 1,613,932 alleles (0.0024%); highest among the groups gnomAD compares: South Asian, 0.016%; no homozygotes.

Submissions (3):

Blueprint Genetics
Classification: Uncertain significance. Last evaluated: 2024-11-19. Review status: criteria provided, single submitter. Criteria: ACMG Guidelines, 2015. Collection method: clinical testing. Allele origin: germline.

Ambry Genetics
Classification: Uncertain significance for Inborn genetic diseases. Last evaluated: 2024-09-24. Review status: criteria provided, single submitter. Criteria: Ambry Variant Classification Scheme 2023. Collection method: clinical testing. Allele origin: germline.

Labcorp Genetics (formerly Invitae), Labcorp
Classification: Uncertain significance. Last evaluated: 2024-02-01. Review status: criteria provided, single submitter. Criteria: Invitae Variant Classification Sherloc (09022015). Collection method: clinical testing. Allele origin: germline.
Comment: This sequence change replaces valine, which is neutral and non-polar, with methionine, which is neutral and non-polar, at codon 397 of the ACAN protein (p.Val397Met). The frequency data for this variant in the population databases is considered unreliable, as metrics indicate poor data quality at this position in the gnomAD database. This variant has not been reported in the literature in individuals affected with ACAN-related conditions. Advanced modeling of protein sequence and biophysical properties (such as structural, functional, and spatial information, amino acid conservation, physicochemical variation, residue mobility, and thermodynamic stability) performed at Invitae indicates that this missense variant is not expected to disrupt ACAN protein function with a negative predictive value of 80%. In summary, the available evidence is currently insufficient to determine the role of this variant in disease. Therefore, it has been classified as a Variant of Uncertain Significance.

NM_001369268.1(ACAN):c.1189G>A (p.Val397Met)

Gene: ACAN (aggrecan; plus strand). Cytogenetic location: 15q26.1.
Variant type: single nucleotide variant.
Coding change: c.1189G>A on transcript NM_001369268.1 (MANE Select); coding-DNA position 1189, G replaced by A.
Protein change: p.Val397Met; replaces valine 397 with methionine.
Molecular consequence: missense variant.
Genome position (GRCh38, 1-based): chr15:88,845,642, G>A. VCF-style: chr15-88845642-G-A. GRCh37 (hg19) VCF-style: chr15-89388873-G-A.
Other names: c.1189G>A, p.Val397Met (NM_001135.4, NM_001411096.1, NM_001411097.1 and 1 more transcripts); short protein forms V397M.
Identifiers: ClinVar variation 3467316 (VCV003467316.3).